The following is an entry in ClinVar:

NM_206926.2(SELENON):c.*2043G>T

Gene: SELENON (selenoprotein N; plus strand). Cytogenetic location: 1p36.11.
Variant type: single nucleotide variant.
Coding change: c.*2043G>T on transcript NM_206926.2 (MANE Select); 2043 bases downstream of the stop codon, G replaced by T.
Molecular consequence: 3 prime UTR variant.
Genome position (GRCh38, 1-based): chr1:25,817,761, G>T. VCF-style: chr1-25817761-G-T. GRCh37 (hg19) VCF-style: chr1-26144252-G-T.
Other names: c.*2043G>T (NM_020451.3).
Identifiers: ClinVar variation 875464 (VCV000875464.4), dbSNP rs74060855, ClinGen allele CA19699452.

ClinVar aggregate classification (germline): Benign (1 of 4 stars; one submission).

Conditions:
SEPN1-related disorder. Also called: SEPN1-Related Disorders. Identifiers: MedGen CN239420.

Allele frequency attached by ClinVar (database versions not stated): gnomAD 0.02180 and 0.02333; 1000 Genomes Project 30x 0.02155; TOPMed 0.02453; 1000 Genomes Project 0.02097.

Submission:

Illumina Laboratory Services, Illumina
Classification: Benign for SEPN1-Related Disorders. Last evaluated: 2018-01-12. Review status: criteria provided, single submitter. Criteria: ICSL Variant Classification Criteria 13 December 2019. Collection method: clinical testing. Allele origin: germline.
Comment: This variant was observed in the ICSL laboratory as part of a predisposition screen in an ostensibly healthy population. It had not been previously curated by ICSL or reported in the Human Gene Mutation Database (HGMD: prior to June 1st, 2018), and was therefore a candidate for classification through an automated scoring system. Utilizing variant allele frequency, disease prevalence and penetrance estimates, and inheritance mode, an automated score was calculated to assess if this variant is too frequent to cause the disease. Based on the score and internal cut-off values, a variant classified as benign is not then subjected to further curation. The score for this variant resulted in a classification of benign for this disease.